The following is an entry in ClinVar:

NM_005448.2(BMP15):c.610C>T (p.Arg204Ter)

Gene: BMP15 (bone morphogenetic protein 15; plus strand). Cytogenetic location: Xp11.22.
Variant type: single nucleotide variant.
Coding change: c.610C>T on transcript NM_005448.2 (MANE Select); coding-DNA position 610, C replaced by T.
Protein change: p.Arg204Ter; replaces arginine 204 with a stop codon.
Molecular consequence: nonsense.
Genome position (GRCh38, 1-based): chrX:50,916,038, C>T. VCF-style: chrX-50916038-C-T. GRCh37 (hg19) VCF-style: chrX-50659038-C-T.
Other names: short protein forms R204*.
Identifiers: ClinVar variation 4849687 (VCV004849687.1).

ClinVar aggregate classification (germline): Likely pathogenic (1 of 4 stars; one submission).

Conditions:
Hereditary pancreatitis (PCTT). Also called: Hereditary chronic pancreatitis; PRSS1-Related Hereditary Pancreatitis. Identifiers: Orphanet 676, MedGen C0238339, MONDO:0008185, OMIM 167800.

gnomAD v4.1: 4 of 1,211,917 alleles (0.00033%); highest among the groups gnomAD compares: South Asian, 0.0018%; no homozygotes.

Submission:

Diagnostics Services (NGS), CSIR - Centre For Cellular And Molecular Biology
Classification: Likely pathogenic for Hereditary pancreatitis. Last evaluated: 2026-01-30. Review status: criteria provided, single submitter. Criteria: ACMG Guidelines, 2015. Collection method: clinical testing. Allele origin: germline. Affected: yes. Observed: 1 variant allele, 1 homozygote.
Comment: The c.610C>T variant is not present in publicly available population databases like 1000 Genomes, EVS, gnomAD, Indian Exome Database and our internal database. This variant has neither been published in the literature for BMP15-related conditions nor reported to clinical databases like Human Genome Mutation database (HGMD), OMIM, or ClinVar, in any affected individuals. In-silico pathogenicity prediction programs like MutationTaster2, CADD, Franklin, Varsome etc predicted this variant to be likely deleterious. This variant creates a premature translational stop signal at the 204th amino acid position of the wild-type transcript that may result in translation of a truncated protein however not predicted to cause nonsense mediated decay of the mRNA.